The following is an entry in ClinVar:

NM_005475.3(SH2B3):c.340G>T (p.Gly114Cys)

Gene: SH2B3 (SH2B adaptor protein 3; plus strand). Cytogenetic location: 12q24.12.
Variant type: single nucleotide variant.
Coding change: c.340G>T on transcript NM_005475.3 (MANE Select); coding-DNA position 340, G replaced by T.
Protein change: p.Gly114Cys; replaces glycine 114 with cysteine.
Molecular consequence: missense variant.
Genome position (GRCh38, 1-based): chr12:111,418,485, G>T. VCF-style: chr12-111418485-G-T. GRCh37 (hg19) VCF-style: chr12-111856289-G-T.
Other names: short protein forms G114C.
Identifiers: ClinVar variation 2605927 (VCV002605927.3), dbSNP rs1329263282, ClinGen allele CA386718715.

ClinVar aggregate classification (germline): Uncertain significance (1 of 4 stars; one submission).

Conditions:
Inborn genetic diseases. Identifiers: MedGen C0950123, MeSH D030342.

Submission:

Ambry Genetics
Classification: Uncertain significance for Inborn genetic diseases. Last evaluated: 2025-01-25. Review status: criteria provided, single submitter. Criteria: Ambry Variant Classification Scheme 2023. Collection method: clinical testing. Allele origin: germline.
Comment: The p.G114C variant (also known as c.340G>T), located in coding exon 1 of the SH2B3 gene, results from a G to T substitution at nucleotide position 340. The glycine at codon 114 is replaced by cysteine, an amino acid with highly dissimilar properties. This amino acid position is conserved. In addition, this alteration is predicted to be tolerated by in silico analysis. Based on the available evidence, the clinical significance of this variant remains unclear.